The following is an entry in ClinVar:

ClinVar aggregate classification (germline): Pathogenic (1 of 4 stars; one submission).

Conditions:
5-Oxoprolinase deficiency (OPLAHD). Also called: 5-OXOPROLINURIA DUE TO 5-OXOPROLINASE DEFICIENCY. Identifiers: Orphanet 33572, MedGen C0268525, MONDO:0009825, OMIM 260005, HP:0040142.

Submission:

Labcorp Genetics (formerly Invitae), Labcorp
Classification: Pathogenic for 5-Oxoprolinase deficiency. Last evaluated: 2023-10-22. Review status: criteria provided, single submitter. Criteria: Invitae Variant Classification Sherloc (09022015). Collection method: clinical testing. Allele origin: germline.
Comment: This sequence change creates a premature translational stop signal (p.Gly890Alafs*8) in the OPLAH gene. It is expected to result in an absent or disrupted protein product. Loss-of-function variants in OPLAH are known to be pathogenic (PMID: 21651516, 27477828). This variant is not present in population databases (gnomAD no frequency). This variant has not been reported in the literature in individuals affected with OPLAH-related conditions. For these reasons, this variant has been classified as Pathogenic.

Literature cited by the submitters: PubMed 21651516; PubMed 27477828.

NM_017570.5(OPLAH):c.2669del (p.Gly890fs)

Gene: OPLAH (5-oxoprolinase, ATP-hydrolysing; minus strand). Cytogenetic location: 8q24.3.
Variant type: Deletion.
Coding change: c.2669del on transcript NM_017570.5 (MANE Select); coding-DNA position 2669, one base deleted (G; older notation c.2669delG).
Protein change: p.Gly890fs; shifts the reading frame from glycine 890.
Molecular consequence: frameshift variant.
Genome position (GRCh38, 1-based): chr8:144,054,578, C deleted on the plus strand (G on the coding strand, the reverse complement: OPLAH is on the minus strand); the first of 6 consecutive C bases (chr8:144,054,578-144,054,583); deleting any one gives the same sequence. VCF-style (leftmost placement, unchanged base first): chr8-144054577-GC-G. GRCh37 (hg19) VCF-style: chr8-145109480-GC-G.
Other names: short protein forms G890fs.
Identifiers: ClinVar variation 2870863 (VCV002870863.3), dbSNP rs2129776234, ClinGen allele CA2689032309.